The following is an entry in ClinVar:

ClinVar aggregate classification (germline): Pathogenic. Review status: criteria provided, multiple submitters, no conflicts (2 of 4 stars). 2 submissions from 2 submitters: Pathogenic (2). Last evaluated 2022-12-15.

Conditions:
Hereditary nonpolyposis colorectal neoplasms. Identifiers: MedGen C0009405, MeSH D003123.
Mismatch repair cancer syndrome 3. Identifiers: MedGen C5436807, MONDO:0030841, OMIM 619097.

Submissions (2):

Department of Pathology and Laboratory Medicine, Sinai Health System
Classification: Pathogenic for Mismatch repair cancer syndrome 3. Last evaluated: 2022-12-15. Review status: criteria provided, single submitter. Criteria: ACMG Guidelines, 2015. Collection method: clinical testing. Allele origin: germline. Affected: yes.

Labcorp Genetics (formerly Invitae), Labcorp
Classification: Pathogenic for Hereditary nonpolyposis colorectal neoplasms. Last evaluated: 2020-02-02. Review status: criteria provided, single submitter. Criteria: Invitae Variant Classification Sherloc (09022015). Collection method: clinical testing. Allele origin: germline.
Comment: For these reasons, this variant has been classified as Pathogenic. Loss-of-function variants in MSH6 are known to be pathogenic (PMID: 18269114, 24362816). This nonsense change has been observed in individuals affected with rectal cancer and ovarian cancer (PMID: 15483016, 24728189), and in numerous individuals and families with Lynch syndrome (PMID: 10508506, 18301448, 22081473, 16034045, 17453009, 18625694). This change has also been described as a founder mutation in the Netherlands, causing Lynch syndrome in individuals of Dutch ancestry (PMID: 18625694). ClinVar contains an entry for this variant (Variation ID: 89534). This variant is not present in population databases (ExAC no frequency). This sequence change creates a premature translational stop signal (p.Ser156*) in the MSH6 gene. It is expected to result in an absent or disrupted protein product.

Literature cited by the submitters: PubMed 18269114 (cited by Labcorp Genetics (formerly Invitae), Labcorp); PubMed 24362816 (cited by Labcorp Genetics (formerly Invitae), Labcorp); PubMed 15483016 (cited by Labcorp Genetics (formerly Invitae), Labcorp); PubMed 24728189 (cited by Labcorp Genetics (formerly Invitae), Labcorp); PubMed 10508506 (cited by Labcorp Genetics (formerly Invitae), Labcorp); PubMed 18301448 (cited by Labcorp Genetics (formerly Invitae), Labcorp); PubMed 22081473 (cited by Labcorp Genetics (formerly Invitae), Labcorp); PubMed 16034045 (cited by Labcorp Genetics (formerly Invitae), Labcorp); PubMed 17453009 (cited by Labcorp Genetics (formerly Invitae), Labcorp); PubMed 18625694 (cited by Labcorp Genetics (formerly Invitae), Labcorp).

NM_000179.3(MSH6):c.467C>A (p.Ser156Ter)

Gene: MSH6 (mutS homolog 6; plus strand). Cytogenetic location: 2p16.3.
Variant type: single nucleotide variant.
Coding change: c.467C>A on transcript NM_000179.3 (MANE Select); coding-DNA position 467, C replaced by A.
Protein change: p.Ser156Ter; replaces serine 156 with a stop codon.
Molecular consequence: nonsense. On other transcripts: 5 prime UTR variant (1), intron variant (2).
Genome position (GRCh38, 1-based): chr2:47,795,903, C>A. VCF-style: chr2-47795903-C-A. GRCh37 (hg19) VCF-style: chr2-48023042-C-A.
Other names: c.-436C>A (NM_001281494.2); c.-279-2708C>A (NM_001281493.2); c.238-2708C>A (NM_001281492.2); short protein forms S156*.
Identifiers: ClinVar variation 1069617 (VCV001069617.11), dbSNP rs63749873, ClinGen allele CA346738575.